The following is an entry in ClinVar:

ClinVar aggregate classification (germline): Uncertain significance (1 of 4 stars; one submission).

Submission:

GeneDx
Classification: Uncertain significance. Last evaluated: 2019-06-12. Review status: criteria provided, single submitter. Criteria: GeneDx Variant Classification Process June 2021. Collection method: clinical testing. Allele origin: germline. Affected: yes.
Comment: Not observed in large population cohorts (Lek et al., 2016); In-frame deletion of two amino acids and insertion of an aberrant amino acid in a non-repeat region; In silico analysis, which includes protein predictors and evolutionary conservation, supports a deleterious effect; Has not been previously published as pathogenic or benign to our knowledge

NM_000070.3(CAPN3):c.368_370del (p.Gln123_Gly124delinsArg)

Gene: CAPN3 (calpain 3; plus strand). Cytogenetic location: 15q15.1.
Variant type: Deletion.
Coding change: c.368_370del on transcript NM_000070.3 (MANE Select); coding-DNA positions 368 to 370, 3 bases deleted (AAG; older notation c.368_370delAAG).
Protein change: p.Gln123_Gly124delinsArg.
Molecular consequence: inframe indel.
Genome position (GRCh38, 1-based): chr15:42,384,541-42,384,543, AAG deleted. VCF-style (leftmost placement, unchanged base first): chr15-42384540-CAAG-C. GRCh37 (hg19) VCF-style: chr15-42676738-CAAG-C.
Other names: c.368_370del, p.Gln123_Gly124delinsArg (NM_024344.2, NM_173087.2).
Identifiers: ClinVar variation 1306094 (VCV001306094.2), dbSNP rs2141155690, ClinGen allele CA2573053996.